The following is an entry in ClinVar:

NM_001267550.2(TTN):c.85316G>A (p.Arg28439Gln)

Genes: TTN-AS1 (TTN antisense RNA 1; plus strand), TTN (titin; minus strand). Cytogenetic location: 2q31.2.
Variant type: single nucleotide variant.
Coding change: c.85316G>A on transcript NM_001267550.2 (MANE Select); coding-DNA position 85316, G replaced by A.
Protein change: p.Arg28439Gln; replaces arginine 28439 with glutamine.
Molecular consequence: missense variant.
Genome position (GRCh38, 1-based): chr2:178,560,816, C>T on the plus strand (G>A on the coding strand, the complement: TTN is on the minus strand). VCF-style: chr2-178560816-C-T. GRCh37 (hg19) VCF-style: chr2-179425543-C-T.
Other names: c.80393G>A, p.Arg26798Gln (NM_001256850.1); c.58121G>A, p.Arg19374Gln (NM_003319.4); c.77612G>A, p.Arg25871Gln (NM_133378.4); c.58496G>A, p.Arg19499Gln (NM_133432.3); c.58697G>A, p.Arg19566Gln (NM_133437.4); short protein forms R28439Q, R19374Q, R25871Q, R26798Q, R19499Q, R19566Q.
Identifiers: ClinVar variation 571281 (VCV000571281.15), dbSNP rs764437671, ClinGen allele CA1988662.

ClinVar aggregate classification (germline): Conflicting classifications of pathogenicity. Review status: criteria provided, conflicting classifications (1 of 4 stars). 8 submissions from 8 submitters: Uncertain significance (6); Likely benign (2). Last evaluated 2026-08-01.

Conditions:
Cardiovascular phenotype. Identifiers: MedGen CN230736.
Dilated cardiomyopathy 1G (CMD1G). Identifiers: Orphanet 154, MedGen C1858763, MONDO:0011400, OMIM 604145.
Autosomal recessive limb-girdle muscular dystrophy type 2J (LGMDR10). Also called: Limb-girdle muscular dystrophy, type 2J; MUSCULAR DYSTROPHY, LIMB-GIRDLE, AUTOSOMAL RECESSIVE 10. Identifiers: Orphanet 140922, MedGen C1837342, MONDO:0012127, OMIM 608807.
TTN-related disorder. Also called: TTN-related condition; TTN-related disease; TTN-related disorders.

Allele frequency attached by ClinVar (database versions not stated): gnomAD 0.00006 and 0.00007; TOPMed 0.00018.
gnomAD v4.1: 42 of 1,613,624 alleles (0.0026%); highest among the groups gnomAD compares: East Asian, 0.011%; no homozygotes.

Submissions (8):

CeGaT Center for Human Genetics Tuebingen
Classification: Uncertain significance. Last evaluated: 2026-08-01. Review status: criteria provided, single submitter. Criteria: CeGaT Center For Human Genetics Tuebingen Variant Classification Criteria Version 2. Collection method: clinical testing. Allele origin: germline. Affected: yes. Observed: 1 variant allele.
Comment: TTN: PM2, BP4

PreventionGenetics, part of Exact Sciences
Classification: Uncertain significance for TTN-related condition. Last evaluated: 2026-05-21. Review status: criteria provided, single submitter. Criteria: ACMG Guidelines, 2015. Collection method: clinical testing. Allele origin: germline.
Comment: The TTN c.85316G>A variant is predicted to result in the amino acid substitution p.Arg28439Gln. This variant, described as R19374Q, has been reported in an individual with dilated cardiomyopathy (Table 2, Peña Peña et al. 2020. PubMed ID: 32826072) and in an individual with preeclampsia (Table S3, Gammill et al. 2018. PubMed ID: 30021846). This variant has also been reported in a cohort study of cardiac conduction disease; however, no case level clinical information was provided (Supplementary material, Liu et al. 2020. PubMed ID: 32529721). This variant is reported in 0.010% of alleles in individuals of East Asian descent in gnomAD. At this time, the clinical significance of this variant is uncertain due to the absence of conclusive functional and genetic evidence.

Revvity Omics, Revvity
Classification: Uncertain significance. Last evaluated: 2024-07-03. Review status: criteria provided, single submitter. Criteria: ACMG Guidelines, 2015. Collection method: clinical testing. Allele origin: germline.

Women's Health and Genetics/Laboratory Corporation of America, LabCorp
Classification: Uncertain significance. Last evaluated: 2023-08-21. Review status: criteria provided, single submitter. Criteria: LabCorp Variant Classification Summary - May 2015. Collection method: clinical testing. Allele origin: germline.
Comment: Variant summary: TTN c.77612G>A (p.Arg25871Gln) results in a conservative amino acid change located in the A-band region of the encoded protein sequence. Two of four in-silico tools predict a benign effect of the variant on protein function. Computational tools predict no significant impact on normal splicing. However, these predictions have yet to be confirmed by functional studies. The variant allele was found at a frequency of 5.6e-05 in 356938 control chromosomes (i.e., 20 heterozygotes; gnomAD and jMorp (Tadaka_2021) databases). This frequency is not significantly higher than estimated for a pathogenic variant in TTN causing Dilated Cardiomyopathy (5.6e-05 vs 0.00039), allowing no conclusion about variant significance. c.77612G>A has been reported in the literature in individuals affected with Dilated Cardiomyopathy (e.g., Pena-Pena_2021), cardiac conduction disease (e.g., Liu_2020) and preeclampsia (e.g., Gammill_2018), however without strong evidence for causality. These reports therefore do not provide unequivocal conclusions about association of the variant with Dilated Cardiomyopathy. A co-occurrence with another pathogenic variant has been reported (LAMA2 p.Gln1174X; Pena-Pena_2021), providing supporting evidence for a benign role. To our knowledge, no experimental evidence demonstrating an impact on protein function has been reported. The following publications have been ascertained in the context of this evaluation (PMID: 30021846, 32529721, 32826072, 33179747). Four submitters have reported clinical-significance assessments for this variant to ClinVar after 2014. Multiple submitters reported the variant with conflicting assessments (VUS, n = 2; likely benign, n = 2). Based on the evidence outlined above, the variant was classified as VUS-possibly benign.

Ambry Genetics
Classification: Likely benign for Cardiovascular phenotype. Last evaluated: 2021-03-04. Review status: criteria provided, single submitter. Criteria: Ambry Variant Classification Scheme 2023. Collection method: clinical testing. Allele origin: germline.

GeneDx
Classification: Likely benign. Last evaluated: 2020-10-08. Review status: criteria provided, single submitter. Criteria: GeneDx Variant Classification Process June 2021. Collection method: clinical testing. Allele origin: germline. Affected: yes.

Athena Diagnostics
Classification: Uncertain significance. Last evaluated: 2020-03-10. Review status: criteria provided, single submitter. Criteria: Athena Diagnostics Criteria. Collection method: clinical testing. Allele origin: unknown.

Labcorp Genetics (formerly Invitae), Labcorp
Classification: Uncertain significance for Dilated cardiomyopathy 1G; Autosomal recessive limb-girdle muscular dystrophy type 2J. Last evaluated: 2019-04-23. Review status: criteria provided, single submitter. Criteria: Invitae Variant Classification Sherloc (09022015). Collection method: clinical testing. Allele origin: germline.
Comment: This sequence change replaces arginine with glutamine at codon 28439 of the TTN protein (p.Arg28439Gln). There is a small physicochemical difference between arginine and glutamine. This variant is present in population databases (rs764437671, ExAC 0.03%). This variant has not been reported in the literature in individuals with TTN-related disease. This variant is located in the A band of TTN (PMID: 25589632). Variants in this region may be relevant for cardiac or neuromuscular disorders (PMID: 25589632, 23975875). Algorithms developed to predict the effect of sequence changes on RNA splicing suggest that this variant may create or strengthen a splice site, but this prediction has not been confirmed by published transcriptional studies. In summary, the available evidence is currently insufficient to determine the role of this variant in disease. Therefore, it has been classified as a Variant of Uncertain Significance.

Literature cited by the submitters: PubMed 30021846 (cited by Women's Health and Genetics/Laboratory Corporation of America, LabCorp); PubMed 32826072 (cited by Women's Health and Genetics/Laboratory Corporation of America, LabCorp); PubMed 33179747 (cited by Women's Health and Genetics/Laboratory Corporation of America, LabCorp); PubMed 32529721 (cited by Women's Health and Genetics/Laboratory Corporation of America, LabCorp); PubMed 25589632 (cited by Labcorp Genetics (formerly Invitae), Labcorp); PubMed 23975875 (cited by Labcorp Genetics (formerly Invitae), Labcorp).